The following is an entry in ClinVar:

NM_133259.4(LRPPRC):c.1730_1735+1del

Gene: LRPPRC (leucine rich pentatricopeptide repeat containing; minus strand). Cytogenetic location: 2p21.
Variant type: Deletion.
Coding change: c.1730_1735+1del on transcript NM_133259.4 (MANE Select); coding-DNA position 1730 through the canonical splice donor site of the intron after coding-DNA position 1735, 7 bases deleted (CGACGGG; older notation c.1730_1735+1delCGACGGG).
Molecular consequence: splice donor variant.
Genome position (GRCh38, 1-based): chr2:43,949,601-43,949,607, CCCGTCG deleted on the plus strand (CGACGGG on the coding strand, the reverse complement: LRPPRC is on the minus strand). VCF-style (leftmost placement, unchanged base first): chr2-43949600-ACCCGTCG-A. GRCh37 (hg19) VCF-style: chr2-44176739-ACCCGTCG-A.
Identifiers: ClinVar variation 1990864 (VCV001990864.6), dbSNP rs981453462, ClinGen allele CA46463497.

ClinVar aggregate classification (germline): Likely pathogenic. Review status: criteria provided, multiple submitters, no conflicts (2 of 4 stars). 3 submissions from 3 submitters: Likely pathogenic (3). Last evaluated 2026-01-05.

Conditions:
Congenital lactic acidosis, Saguenay-Lac-Saint-Jean type (MC4DN5). Also called: CYTOCHROME c OXIDASE DEFICIENCY, FRENCH CANADIAN TYPE; COX DEFICIENCY, FRENCH CANADIAN TYPE; MITOCHONDRIAL COMPLEX IV DEFICIENCY, NUCLEAR TYPE 5. Identifiers: Orphanet 70472, MedGen C1857355, MONDO:0009069, OMIM 220111.

Allele frequency attached by ClinVar (database versions not stated): TOPMed 0.00001.

Submissions (3):

Labcorp Genetics (formerly Invitae), Labcorp
Classification: Likely pathogenic. Last evaluated: 2026-01-05. Review status: criteria provided, single submitter. Criteria: Invitae Variant Classification Sherloc (09022015). Collection method: clinical testing. Allele origin: germline.
Comment: This variant results in the deletion of part of exon 16 (c.1730_1735+1del) of the LRPPRC gene. It is expected to disrupt RNA splicing. Variants that disrupt the donor or acceptor splice site typically lead to a loss of protein function (PMID: 16199547), and loss-of-function variants in LRPPRC are known to be pathogenic (PMID: 26510951). This variant is not present in population databases (gnomAD no frequency). This variant has not been reported in the literature in individuals affected with LRPPRC-related conditions. ClinVar contains an entry for this variant (Variation ID: 1990864). In summary, the currently available evidence indicates that the variant is pathogenic, but additional data are needed to prove that conclusively. Therefore, this variant has been classified as Likely Pathogenic.

Myriad Genetics, Inc.
Classification: Likely pathogenic for Congenital lactic acidosis, Saguenay-Lac-Saint-Jean type. Last evaluated: 2025-11-20. Review status: criteria provided, single submitter. Criteria: Myriad Autosomal Dominant, Autosomal Recessive and X-Linked Classification Criteria (2023). Collection method: clinical testing. Allele origin: unknown.
Comment: NM_133259.3(LRPPRC):c.1730_1735+1del7 is a variant in a canonical splice site classified as likely pathogenic in the context of Leigh syndrome, French-Canadian type. c.1730_1735+1del7 has not been observed in cases with relevant disease. Relevant functional assessments of this variant are not available in the literature. c.1730_1735+1del7 has not been observed in referenced population frequency databases. In summary, NM_133259.3(LRPPRC):c.1730_1735+1del7 is a variant in a canonical splice site in a gene where loss of function is a known mechanism of disease and is predicted to disrupt protein function. Please note: this variant was assessed in the context of healthy population screening.

Fulgent Genetics
Classification: Likely pathogenic for Congenital lactic acidosis, Saguenay-Lac-Saint-Jean type. Last evaluated: 2024-04-01. Review status: criteria provided, single submitter. Criteria: ACMG Guidelines, 2015. Collection method: clinical testing. Allele origin: germline.

Literature cited by the submitters: PubMed 16199547 (cited by Labcorp Genetics (formerly Invitae), Labcorp); PubMed 26510951 (cited by Labcorp Genetics (formerly Invitae), Labcorp).